The following is an entry in ClinVar:

ClinVar aggregate classification (germline): Conflicting classifications of pathogenicity. Review status: criteria provided, conflicting classifications (1 of 4 stars). 5 submissions from 5 submitters: Uncertain significance (3); Likely benign (2). Last evaluated 2025-10-23.

Conditions:
Hereditary breast ovarian cancer syndrome. Also called: Hereditary breast and ovarian cancer; Hereditary breast and/or ovarian cancer syndrome; BRCA1- and BRCA2-Associated Hereditary Breast and Ovarian Cancer; Hereditary breast and ovarian cancer syndrome; Hereditary breast and ovarian cancer syndrome (HBOC); Breast and ovarian cancer. Identifiers: Orphanet 145, MedGen C0677776, MeSH D061325, MONDO:0003582. Disease mechanism: loss of function.
Hereditary cancer-predisposing syndrome. Also called: Tumor predisposition; Hereditary Cancer Syndrome; Hereditary neoplastic syndrome; Neoplastic Syndromes, Hereditary. Identifiers: Orphanet 140162, MedGen C0027672, MeSH D009386, MONDO:0015356.

Allele frequency attached by ClinVar (database versions not stated): gnomAD exomes below 0.00001.
gnomAD v4.1: 1 of 1,590,224 alleles (0.000063%); highest among the groups gnomAD compares: Non-Finnish European, 0.000085%; no homozygotes.

Submissions (5):

Labcorp Genetics (formerly Invitae), Labcorp
Classification: Uncertain significance for Hereditary breast ovarian cancer syndrome. Last evaluated: 2025-10-23. Review status: criteria provided, single submitter. Criteria: Invitae Variant Classification Sherloc (09022015). Collection method: clinical testing. Allele origin: germline.
Comment: This sequence change replaces valine, which is neutral and non-polar, with alanine, which is neutral and non-polar, at codon 1663 of the BRCA2 protein (p.Val1663Ala). This variant is not present in population databases (gnomAD no frequency). This variant has not been reported in the literature in individuals affected with BRCA2-related conditions. ClinVar contains an entry for this variant (Variation ID: 409503). Invitae Evidence Modeling of protein sequence and biophysical properties (such as structural, functional, and spatial information, amino acid conservation, physicochemical variation, residue mobility, and thermodynamic stability) indicates that this missense variant is not expected to disrupt BRCA2 protein function with a negative predictive value of 95%. In summary, the available evidence is currently insufficient to determine the role of this variant in disease. Therefore, it has been classified as a Variant of Uncertain Significance.

Color Diagnostics, LLC DBA Color Health
Classification: Uncertain significance for Hereditary cancer-predisposing syndrome. Last evaluated: 2023-12-05. Review status: criteria provided, single submitter. Criteria: ACMG Guidelines, 2015. Collection method: clinical testing. Allele origin: germline.
Comment: This missense variant replaces valine with alanine at codon 1663 of the BRCA2 protein. Computational prediction suggests that this variant may not impact protein structure and function (internally defined REVEL score threshold <= 0.5, PMID: 27666373). To our knowledge, functional studies have not been reported for this variant. This variant has not been reported in individuals affected with BRCA2-related disorders in the literature. This variant has not been identified in the general population by the Genome Aggregation Database (gnomAD). The available evidence is insufficient to determine the role of this variant in disease conclusively. Therefore, this variant is classified as a Variant of Uncertain Significance.

GeneDx
Classification: Uncertain significance. Last evaluated: 2023-05-17. Review status: criteria provided, single submitter. Criteria: GeneDx Variant Classification Process June 2021. Collection method: clinical testing. Allele origin: germline. Affected: yes.
Comment: Not observed at significant frequency in large population cohorts (gnomAD); In silico analysis supports that this missense variant does not alter protein structure/function; Has not been previously published as pathogenic or benign to our knowledge; Also known as 5216T>C; This variant is associated with the following publications: (PMID: 32377563, 29884841)

University of Washington Department of Laboratory Medicine, University of Washington
Classification: Likely benign for Hereditary cancer-predisposing syndrome. Last evaluated: 2023-03-23. Review status: criteria provided, single submitter. Criteria: Dines et al. (Genet Med. 2020). Collection method: curation. Allele origin: germline.
Comment: Missense variant in a coldspot region where missense variants are very unlikely to be pathogenic (PMID:31911673).

BRCA2 exon 11 coldspot. Reclassification based on statistical prior probability.

Ambry Genetics
Classification: Likely benign for Hereditary cancer-predisposing syndrome. Last evaluated: 2019-08-22. Review status: criteria provided, single submitter. Criteria: Ambry Variant Classification Scheme 2023. Collection method: clinical testing. Allele origin: germline.

NM_000059.4(BRCA2):c.4988T>C (p.Val1663Ala)

Gene: BRCA2 (BRCA2 DNA repair associated; plus strand). Cytogenetic location: 13q13.1.
Variant type: single nucleotide variant.
Coding change: c.4988T>C on transcript NM_000059.4 (MANE Select); coding-DNA position 4988, T replaced by C.
Protein change: p.Val1663Ala; replaces valine 1663 with alanine.
Molecular consequence: missense variant.
Genome position (GRCh38, 1-based): chr13:32,339,343, T>C. VCF-style: chr13-32339343-T-C. GRCh37 (hg19) VCF-style: chr13-32913480-T-C.
Other names: short protein forms V1663A.
Identifiers: ClinVar variation 409503 (VCV000409503.23), dbSNP rs1060502436, ClinGen allele CA16614162.
Genomic context (GRCh38, chr13:32,339,343, plus strand): 5'-TAGAAAAAGAAACAGCAAAAAGTCCTGCAACTTGTTACACAAATCAGTCCCCTTATTCAG[T>C]CATTGAAAATTCAGCCTTAGCTTTTTACACAAGTTGTAGTAGAAAAACTTCTGTGAGTCA-3'
Protein context (NP_000050.3, residues 1653-1673): TCYTNQSPYS[Val1663Ala]IENSALAFYT